The following is an entry in ClinVar:

NM_000090.4(COL3A1):c.2931+3G>C

Gene: COL3A1 (collagen type III alpha 1 chain; plus strand). Cytogenetic location: 2q32.2.
Variant type: single nucleotide variant.
Coding change: c.2931+3G>C on transcript NM_000090.4 (MANE Select); 3 bases into the intron after coding-DNA position 2931, G replaced by C.
Molecular consequence: intron variant.
Genome position (GRCh38, 1-based): chr2:189,004,367, G>C. VCF-style: chr2-189004367-G-C. GRCh37 (hg19) VCF-style: chr2-189869093-G-C.
Identifiers: ClinVar variation 2035382 (VCV002035382.4), dbSNP rs2469154362, ClinGen allele CA2580065370.

ClinVar aggregate classification (germline): Uncertain significance (1 of 4 stars; one submission).

Conditions:
Ehlers-Danlos syndrome, type 4 (EDSVASC). Also called: Ehlers-Danlos syndrome vascular type; Ehlers Danlos syndrome, ecchymotic type; Ehlers Danlos syndrome, arterial type; Ehlers Danlos syndrome, Sack-Barabas type; Ehlers-Danlos Syndrome Type IV. Identifiers: Orphanet 286, MedGen C0268338, MONDO:0017314, OMIM 130050.

Submission:

Labcorp Genetics (formerly Invitae), Labcorp
Classification: Uncertain significance for Ehlers-Danlos syndrome, type 4. Last evaluated: 2022-10-13. Review status: criteria provided, single submitter. Criteria: Invitae Variant Classification Sherloc (09022015). Collection method: clinical testing. Allele origin: germline.
Comment: In summary, the available evidence is currently insufficient to determine the role of this variant in disease. Therefore, it has been classified as a Variant of Uncertain Significance. Variants that disrupt the consensus splice site are a relatively common cause of aberrant splicing (PMID: 17576681, 9536098). Algorithms developed to predict the effect of sequence changes on RNA splicing suggest that this variant is not likely to affect RNA splicing. This variant has not been reported in the literature in individuals affected with COL3A1-related conditions. This variant is not present in population databases (gnomAD no frequency). This sequence change falls in intron 40 of the COL3A1 gene. It does not directly change the encoded amino acid sequence of the COL3A1 protein. It affects a nucleotide within the consensus splice site.

Literature cited by the submitters: PubMed 17576681; PubMed 9536098.